The following is an entry in ClinVar:

NM_014363.6(SACS):c.653A>T (p.His218Leu)

Gene: SACS (sacsin molecular chaperone; minus strand). Cytogenetic location: 13q12.12.
Variant type: single nucleotide variant.
Coding change: c.653A>T on transcript NM_014363.6 (MANE Select); coding-DNA position 653, A replaced by T.
Protein change: p.His218Leu; replaces histidine 218 with leucine.
Molecular consequence: missense variant.
Genome position (GRCh38, 1-based): chr13:23,355,959, T>A on the plus strand (A>T on the coding strand, the complement: SACS is on the minus strand). VCF-style: chr13-23355959-T-A. GRCh37 (hg19) VCF-style: chr13-23930098-T-A.
Other names: c.212A>T, p.His71Leu (NM_001278055.2); short protein forms H218L, H71L.
Identifiers: ClinVar variation 2042992 (VCV002042992.4), dbSNP rs2542404475, ClinGen allele CA387551443.

ClinVar aggregate classification (germline): Uncertain significance (1 of 4 stars; one submission).

Conditions:
Spastic paraplegia. Identifiers: MedGen C0037772, HP:0001258.

Allele frequency attached by ClinVar (database versions not stated): gnomAD exomes below 0.00001.

Submission:

Labcorp Genetics (formerly Invitae), Labcorp
Classification: Uncertain significance for Spastic paraplegia. Last evaluated: 2026-01-12. Review status: criteria provided, single submitter. Criteria: Invitae Variant Classification Sherloc (09022015). Collection method: clinical testing. Allele origin: germline.
Comment: This sequence change replaces histidine, which is basic and polar, with leucine, which is neutral and non-polar, at codon 218 of the SACS protein (p.His218Leu). This variant is not present in population databases (gnomAD no frequency). This variant has not been reported in the literature in individuals affected with SACS-related conditions. ClinVar contains an entry for this variant (Variation ID: 2042992). Invitae Evidence Modeling of protein sequence and biophysical properties (such as structural, functional, and spatial information, amino acid conservation, physicochemical variation, residue mobility, and thermodynamic stability) indicates that this missense variant is not expected to disrupt SACS protein function with a negative predictive value of 95%. In summary, the available evidence is currently insufficient to determine the role of this variant in disease. Therefore, it has been classified as a Variant of Uncertain Significance.